The following is an entry in ClinVar:

ClinVar aggregate classification (germline): Uncertain significance. Review status: criteria provided, multiple submitters, no conflicts (2 of 4 stars). 4 submissions from 4 submitters: Uncertain significance (3). 1 of the submissions does not count toward it. Last evaluated 2025-11-06.

Conditions:
Goldmann-Favre syndrome. Identifiers: Orphanet 53540, MedGen C0339541, MONDO:0100289.
ENHANCED S-CONE SYNDROME 1 (ESCS1). Also called: RETINOSCHISIS WITH EARLY HEMERALOPIA; FAVRE HYALOIDEORETINAL DEGENERATION. Identifiers: MedGen CN380299, OMIM 268100.
Inborn genetic diseases. Identifiers: MedGen C0950123, MeSH D030342.

Allele frequency attached by ClinVar (database versions not stated): TOPMed 0.00002; ESP Exome Variant Server 0.00008; gnomAD exomes 0.00001 and 0.00002; ExAC 0.00002.

Submissions (4):

Myriad Genetics, Inc.
Classification: Uncertain significance for ENHANCED S-CONE SYNDROME 1. Last evaluated: 2025-11-06. Review status: criteria provided, single submitter. Criteria: Myriad Autosomal Dominant, Autosomal Recessive and X-Linked Classification Criteria (2023). Collection method: clinical testing. Allele origin: unknown.
Comment: NM_014249.2(NR2E3):c.640C>T(P214S) is a missense variant classified as a variant of uncertain significance in the context of enhanced S-cone syndrome. P214S has not been observed in cases with relevant disease. Relevant functional assessments of this variant are not available in the literature. P214S has been observed in referenced population frequency databases. In summary, there is insufficient evidence to classify NM_014249.2(NR2E3):c.640C>T(P214S) as pathogenic or benign. Please note: this variant was assessed in the context of healthy population screening.

Labcorp Genetics (formerly Invitae), Labcorp
Classification: Uncertain significance. Last evaluated: 2025-10-09. Review status: criteria provided, single submitter. Criteria: Invitae Variant Classification Sherloc (09022015). Collection method: clinical testing. Allele origin: germline.
Comment: This sequence change replaces proline, which is neutral and non-polar, with serine, which is neutral and polar, at codon 214 of the NR2E3 protein (p.Pro214Ser). This variant is present in population databases (rs371694743, gnomAD 0.003%). This missense change has been observed in individual(s) with clinical features of NR2E3-related conditions (internal data). ClinVar contains an entry for this variant (Variation ID: 967411). Invitae Evidence Modeling of protein sequence and biophysical properties (such as structural, functional, and spatial information, amino acid conservation, physicochemical variation, residue mobility, and thermodynamic stability) indicates that this missense variant is not expected to disrupt NR2E3 protein function with a negative predictive value of 80%. In summary, the available evidence is currently insufficient to determine the role of this variant in disease. Therefore, it has been classified as a Variant of Uncertain Significance.

Ambry Genetics
Classification: Uncertain significance for Inborn genetic diseases. Last evaluated: 2024-10-01. Review status: criteria provided, single submitter. Criteria: Ambry Variant Classification Scheme 2023. Collection method: clinical testing. Allele origin: germline.

Natera, Inc.
Classification: Uncertain significance for Goldmann-Favre syndrome. Last evaluated: 2020-10-20. Review status: no assertion criteria provided. Collection method: clinical testing. Allele origin: germline. Not counted in ClinVar's aggregate classification.

NM_014249.4(NR2E3):c.640C>T (p.Pro214Ser)

Gene: NR2E3 (nuclear receptor subfamily 2 group E member 3; plus strand). Cytogenetic location: 15q23.
Variant type: single nucleotide variant.
Coding change: c.640C>T on transcript NM_014249.4 (MANE Select); coding-DNA position 640, C replaced by T.
Protein change: p.Pro214Ser; replaces proline 214 with serine.
Molecular consequence: missense variant.
Genome position (GRCh38, 1-based): chr15:71,812,404, C>T. VCF-style: chr15-71812404-C-T. GRCh37 (hg19) VCF-style: chr15-72104744-C-T.
Other names: c.640C>T, p.Pro214Ser (NM_016346.4); c.640C>T (NM_014249.2); short protein forms P214S.
Identifiers: ClinVar variation 967411 (VCV000967411.6), dbSNP rs371694743, ClinGen allele CA7640358.